The following is an entry in ClinVar:

ClinVar aggregate classification (germline): Uncertain significance. Review status: criteria provided, multiple submitters, no conflicts (2 of 4 stars). 2 submissions from 2 submitters: Uncertain significance (2). Last evaluated 2023-06-09.

Conditions:
Endometrial carcinoma. Also called: Endometrial carcinoma, somatic. Identifiers: MedGen C0476089, MONDO:0002447, OMIM 608089, HP:0012114.
Hereditary nonpolyposis colorectal neoplasms. Identifiers: MedGen C0009405, MeSH D003123.

Submissions (2):

Baylor Genetics
Classification: Uncertain significance for Endometrial carcinoma. Last evaluated: 2023-06-09. Review status: criteria provided, single submitter. Criteria: ACMG Guidelines, 2015. Collection method: clinical testing. Allele origin: unknown.

Labcorp Genetics (formerly Invitae), Labcorp
Classification: Uncertain significance for Hereditary nonpolyposis colorectal neoplasms. Last evaluated: 2019-02-11. Review status: criteria provided, single submitter. Criteria: Invitae Variant Classification Sherloc (09022015). Collection method: clinical testing. Allele origin: germline.
Comment: This variant is not present in population databases (ExAC no frequency). This sequence change replaces glutamic acid with alanine at codon 1090 of the MSH6 protein (p.Glu1090Ala). The glutamic acid residue is moderately conserved and there is a moderate physicochemical difference between glutamic acid and alanine. In summary, the available evidence is currently insufficient to determine the role of this variant in disease. Therefore, it has been classified as a Variant of Uncertain Significance. Algorithms developed to predict the effect of missense changes on protein structure and function (SIFT, PolyPhen-2, Align-GVGD) all suggest that this variant is likely to be tolerated, but these predictions have not been confirmed by published functional studies and their clinical significance is uncertain. This variant has not been reported in the literature in individuals with MSH6-related conditions.

NM_000179.3(MSH6):c.3269A>C (p.Glu1090Ala)

Gene: MSH6 (mutS homolog 6; plus strand). Cytogenetic location: 2p16.3.
Variant type: single nucleotide variant.
Coding change: c.3269A>C on transcript NM_000179.3 (MANE Select); coding-DNA position 3269, A replaced by C.
Protein change: p.Glu1090Ala; replaces glutamic acid 1090 with alanine.
Molecular consequence: missense variant.
Genome position (GRCh38, 1-based): chr2:47,803,516, A>C. VCF-style: chr2-47803516-A-C. GRCh37 (hg19) VCF-style: chr2-48030655-A-C.
Other names: c.2879A>C, p.Glu960Ala (NM_001281492.2); c.2363A>C, p.Glu788Ala (NM_001281493.2, NM_001281494.2); short protein forms E1090A, E960A, E788A.
Identifiers: ClinVar variation 839805 (VCV000839805.11), dbSNP rs1669749043, ClinGen allele CA346758219.
Genomic context (GRCh38, chr2:47,803,516, plus strand): 5'-GTGATGGTCCTATGTGTCGCCCAGTAATTCTGTTGCCGGAAGATACCCCCCCCTTCTTAG[A>C]GCTTAAAGGATCACGCCATCCTTGCATTACGAAGACTTTTTTTGGAGATGATTTTATTCC-3'
Protein context (NP_000170.1, residues 1080-1100): LLPEDTPPFL[Glu1090Ala]LKGSRHPCIT